The following is an entry in ClinVar:

ClinVar aggregate classification (germline): Uncertain significance (1 of 4 stars; one submission).

Conditions:
Dystonic disorder. Also called: Dystonia. Identifiers: MedGen C0013421, MONDO:0003441, HP:0001332.

Allele frequency attached by ClinVar (database versions not stated): gnomAD 0.00001; gnomAD exomes 0.00001; TOPMed 0.00002.

Submission:

Labcorp Genetics (formerly Invitae), Labcorp
Classification: Uncertain significance for Dystonic disorder. Last evaluated: 2023-07-17. Review status: criteria provided, single submitter. Criteria: Invitae Variant Classification Sherloc (09022015). Collection method: clinical testing. Allele origin: germline.
Comment: This sequence change replaces serine, which is neutral and polar, with threonine, which is neutral and polar, at codon 256 of the TOR1A protein (p.Ser256Thr). This variant is present in population databases (no rsID available, gnomAD 0.009%). This variant has not been reported in the literature in individuals affected with TOR1A-related conditions. ClinVar contains an entry for this variant (Variation ID: 2151093). Advanced modeling of protein sequence and biophysical properties (such as structural, functional, and spatial information, amino acid conservation, physicochemical variation, residue mobility, and thermodynamic stability) performed at Invitae indicates that this missense variant is not expected to disrupt TOR1A protein function. In summary, the available evidence is currently insufficient to determine the role of this variant in disease. Therefore, it has been classified as a Variant of Uncertain Significance.

NM_000113.3(TOR1A):c.767G>C (p.Ser256Thr)

Gene: TOR1A (torsin family 1 member A; minus strand). Cytogenetic location: 9q34.11.
Variant type: single nucleotide variant.
Coding change: c.767G>C on transcript NM_000113.3 (MANE Select); coding-DNA position 767, G replaced by C.
Protein change: p.Ser256Thr; replaces serine 256 with threonine.
Molecular consequence: missense variant.
Genome position (GRCh38, 1-based): chr9:129,814,204, C>G on the plus strand (G>C on the coding strand, the complement: TOR1A is on the minus strand). VCF-style: chr9-129814204-C-G. GRCh37 (hg19) VCF-style: chr9-132576483-C-G.
Other names: short protein forms S256T.
Identifiers: ClinVar variation 2151093 (VCV002151093.4), dbSNP rs1053723616, ClinGen allele CA200533779.